The following is an entry in ClinVar:

NM_133510.4(RAD51B):c.532C>T (p.His178Tyr)

Gene: RAD51B (RAD51 paralog B; plus strand). Cytogenetic location: 14q24.1.
Variant type: single nucleotide variant.
Coding change: c.532C>T on transcript NM_133510.4 (MANE Select); coding-DNA position 532, C replaced by T.
Protein change: p.His178Tyr; replaces histidine 178 with tyrosine.
Molecular consequence: missense variant.
Genome position (GRCh38, 1-based): chr14:67,885,948, C>T. VCF-style: chr14-67885948-C-T. GRCh37 (hg19) VCF-style: chr14-68352665-C-T.
Other names: c.532C>T, p.His178Tyr (NM_001321809.2, NM_001321810.2, NM_001321812.1 and 6 more transcripts); c.418C>T, p.His140Tyr (NM_001321815.1); c.175C>T, p.His59Tyr (NM_001321817.2); short protein forms H140Y, H178Y, H59Y.
Identifiers: ClinVar variation 3942314 (VCV003942314.1).

ClinVar aggregate classification (germline): Uncertain significance (1 of 4 stars; one submission).

gnomAD v4.1: 5 of 1,607,286 alleles (0.00031%); highest among the groups gnomAD compares: East Asian, 0.0022%; no homozygotes.

Submission:

Ambry Genetics
Classification: Uncertain significance. Last evaluated: 2025-05-11. Review status: criteria provided, single submitter. Criteria: Ambry Variant Classification Scheme 2023. Collection method: clinical testing. Allele origin: germline.
Comment: The p.H178Y variant (also known as c.532C>T), located in coding exon 5 of the RAD51B gene, results from a C to T substitution at nucleotide position 532. The histidine at codon 178 is replaced by tyrosine, an amino acid with similar properties. This amino acid position is conserved. In addition, this alteration is predicted to be tolerated by in silico analysis. Based on the available evidence, the clinical significance of this variant remains unclear.